The following is an entry in ClinVar:

ClinVar aggregate classification (germline): Uncertain significance (1 of 4 stars; one submission).

Conditions:
Angelman syndrome (AS). Also called: HAPPY PUPPET SYNDROME. Identifiers: Orphanet 72, MedGen C0162635, MONDO:0007113, OMIM 105830. Disease mechanism: loss of function. Inheritance: AS is caused by disruption of maternally imprinted UBE3A located within the 15q11.2-q13 Angelman syndrome/Prader-Willi syndrome (AS/PWS) region., imprinting disorder.

Allele frequency attached by ClinVar (database versions not stated): gnomAD exomes below 0.00001.

Submission:

Labcorp Genetics (formerly Invitae), Labcorp
Classification: Uncertain significance for Angelman syndrome. Last evaluated: 2023-03-08. Review status: criteria provided, single submitter. Criteria: Invitae Variant Classification Sherloc (09022015). Collection method: clinical testing. Allele origin: germline.
Comment: This sequence change replaces glycine, which is neutral and non-polar, with arginine, which is basic and polar, at codon 197 of the UBE3A protein (p.Gly197Arg). In summary, the available evidence is currently insufficient to determine the role of this variant in disease. Therefore, it has been classified as a Variant of Uncertain Significance. Advanced modeling of protein sequence and biophysical properties (such as structural, functional, and spatial information, amino acid conservation, physicochemical variation, residue mobility, and thermodynamic stability) has been performed at Invitae for this missense variant, however the output from this modeling did not meet the statistical confidence thresholds required to predict the impact of this variant on UBE3A protein function. This variant has not been reported in the literature in individuals affected with UBE3A-related conditions. This variant is not present in population databases (gnomAD no frequency).

NM_130839.5(UBE3A):c.649G>A (p.Gly217Arg)

Genes: SNHG14 (small nucleolar RNA host gene 14; plus strand), UBE3A (ubiquitin protein ligase E3A; minus strand). Cytogenetic location: 15q11.2.
Variant type: single nucleotide variant.
Coding change: c.649G>A on transcript NM_130839.5 (MANE Select); coding-DNA position 649, G replaced by A.
Protein change: p.Gly217Arg; replaces glycine 217 with arginine.
Molecular consequence: missense variant. On other transcripts: non-coding transcript variant (1), intron variant (2).
Genome position (GRCh38, 1-based): chr15:25,371,525, C>T on the plus strand (G>A on the coding strand, the complement: UBE3A is on the minus strand). VCF-style: chr15-25371525-C-T. GRCh37 (hg19) VCF-style: chr15-25616672-C-T.
Other names: c.658G>A, p.Gly220Arg (NM_000462.5); c.649G>A, p.Gly217Arg (NM_001354505.1, NM_001354538.2, NM_001354545.2); c.589G>A, p.Gly197Arg (NM_001354506.2, NM_001354507.2, NM_001354508.2 and 17 more transcripts); c.301+3940G>A (NM_001354551.2); c.361+3940G>A (NM_001354550.2); c.472G>A, p.Gly158Arg (NM_001354546.2); short protein forms G158R, G220R, G197R, G217R.
Identifiers: ClinVar variation 2844223 (VCV002844223.3), dbSNP rs2552191757, ClinGen allele CA391355382.